The following is an entry in ClinVar:

NM_000230.3(LEP):c.495T>A (p.Pro165=)

Gene: LEP (leptin; plus strand). Cytogenetic location: 7q32.1.
Variant type: single nucleotide variant.
Coding change: c.495T>A on transcript NM_000230.3 (MANE Select); coding-DNA position 495, T replaced by A.
Protein change: p.Pro165=; no amino-acid change (proline 165 retained).
Molecular consequence: synonymous variant.
Genome position (GRCh38, 1-based): chr7:128,254,754, T>A. VCF-style: chr7-128254754-T-A. GRCh37 (hg19) VCF-style: chr7-127894807-T-A.
Identifiers: ClinVar variation 4821910 (VCV004821910.4).

ClinVar aggregate classification (germline): Likely benign (1 of 4 stars; one submission).

Submission:

CeGaT Center for Human Genetics Tuebingen
Classification: Likely benign. Last evaluated: 2026-03-01. Review status: criteria provided, single submitter. Criteria: CeGaT Center For Human Genetics Tuebingen Variant Classification Criteria Version 2. Collection method: clinical testing. Allele origin: germline. Affected: yes. Observed: 1 variant allele.
Comment: LEP: PM2:Supporting, BP4, BP7